The following is an entry in ClinVar:

ClinVar aggregate classification (germline): Benign/Likely benign. Review status: criteria provided, multiple submitters, no conflicts (2 of 4 stars). 10 submissions from 10 submitters: Benign (7); Likely benign (1). 2 of the submissions do not count toward it. Last evaluated 2026-02-04.

Conditions:
Xeroderma pigmentosum, group D (XPD). Also called: XERODERMA PIGMENTOSUM, COMPLEMENTATION GROUP D; XERODERMA PIGMENTOSUM IV; XP, GROUP D; XP, GROUP H; ERCC2-Related Xeroderma Pigmentosum. Identifiers: MedGen C0268138, MONDO:0010212, OMIM 278730.

Allele frequency attached by ClinVar (database versions not stated): ESP Exome Variant Server 0.00085; gnomAD 0.00851; TOPMed 0.01635; 1000 Genomes Project 30x 0.03529; 1000 Genomes Project 0.03734.
gnomAD v4.1: 11,880 of 1,612,340 alleles (0.74%); highest among the groups gnomAD compares: East Asian, 13%; 630 homozygotes.

Submissions (10):

Labcorp Genetics (formerly Invitae), Labcorp
Classification: Benign. Last evaluated: 2026-02-04. Review status: criteria provided, single submitter. Criteria: Invitae Variant Classification Sherloc (09022015). Collection method: clinical testing. Allele origin: germline.

Blueprint Genetics
Classification: Likely benign. Last evaluated: 2024-11-27. Review status: criteria provided, single submitter. Criteria: ACMG Guidelines, 2015. Collection method: clinical testing. Allele origin: germline.

KCCC/NGS Laboratory, Kuwait Cancer Control Center
Classification: Benign for Xeroderma pigmentosum, group D. Last evaluated: 2023-07-07. Review status: criteria provided, single submitter. Criteria: ACMG Guidelines, 2015. Collection method: clinical testing. Allele origin: germline. Affected: yes.

GeneDx
Classification: Benign. Last evaluated: 2019-02-28. Review status: criteria provided, single submitter. Criteria: GeneDx Variant Classification Process June 2021. Collection method: clinical testing. Allele origin: germline. Affected: yes.

Athena Diagnostics
Classification: Benign. Last evaluated: 2018-12-05. Review status: criteria provided, single submitter. Criteria: Athena Diagnostics Criteria. Collection method: clinical testing. Allele origin: germline.

Illumina Laboratory Services, Illumina
Classification: Benign for Xeroderma pigmentosum, group D. Last evaluated: 2018-01-13. Review status: criteria provided, single submitter. Criteria: ICSL Variant Classification Criteria 13 December 2019. Collection method: clinical testing. Allele origin: germline.
Comment: This variant was observed in the ICSL laboratory as part of a predisposition screen in an ostensibly healthy population. It had not been previously curated by ICSL or reported in the Human Gene Mutation Database (HGMD: prior to June 1st, 2018), and was therefore a candidate for classification through an automated scoring system. Utilizing variant allele frequency, disease prevalence and penetrance estimates, and inheritance mode, an automated score was calculated to assess if this variant is too frequent to cause the disease. Based on the score and internal cut-off values, a variant classified as benign is not then subjected to further curation. The score for this variant resulted in a classification of benign for this disease.

Breakthrough Genomics
Classification: Benign. Review status: criteria provided, single submitter. Criteria: ACMG Guidelines, 2015. Collection method: not provided. Allele origin: germline. Inheritance: Autosomal recessive inheritance. Affected: yes.

PreventionGenetics, part of Exact Sciences
Classification: Benign. Review status: criteria provided, single submitter. Criteria: ACMG Guidelines, 2015. Collection method: clinical testing. Allele origin: germline.

Clinical Genetics DNA and cytogenetics Diagnostics Lab, Erasmus MC, Erasmus Medical Center
Classification: Benign. Review status: no assertion criteria provided. Collection method: clinical testing. Allele origin: germline. Affected: yes. Study: VKGL Data-share Consensus. Not counted in ClinVar's aggregate classification.

Genome Diagnostics Laboratory, Amsterdam University Medical Center
Classification: Benign. Review status: no assertion criteria provided. Collection method: clinical testing. Allele origin: germline. Affected: yes. Study: VKGL Data-share Consensus. Not counted in ClinVar's aggregate classification.

NM_000400.4(ERCC2):c.477+9A>C

Gene: ERCC2 (ERCC excision repair 2, TFIIH core complex helicase subunit; minus strand). Cytogenetic location: 19q13.32.
Variant type: single nucleotide variant.
Coding change: c.477+9A>C on transcript NM_000400.4 (MANE Select); 9 bases into the intron after coding-DNA position 477, A replaced by C.
Molecular consequence: intron variant.
Genome position (GRCh38, 1-based): chr19:45,365,033, T>G on the plus strand (A>C on the coding strand, the complement: ERCC2 is on the minus strand). VCF-style: chr19-45365033-T-G. GRCh37 (hg19) VCF-style: chr19-45868291-T-G.
Other names: c.405+9A>C (NM_001130867.2).
Identifiers: ClinVar variation 256022 (VCV000256022.21), dbSNP rs1799785, ClinGen allele CA9513778.
Genomic context (GRCh38, chr19:45,365,033, plus strand): 5'-GGGTCAGGGAGGCTGCCTGCCCCAGGCTACCTGTCCTGCCTCCCTCCCTCAGCCCTGCCC[T>G]CCAGTAACCTCATAGAATCGGCAGTGGGGCAGGCTGGTGTCATGCTGGTACTGCGCCCGC-3'